The following is an entry in ClinVar:

NM_033100.4(CDHR1):c.1783-6G>A

Gene: CDHR1 (cadherin related family member 1; plus strand). Cytogenetic location: 10q23.1.
Variant type: single nucleotide variant.
Coding change: c.1783-6G>A on transcript NM_033100.4 (MANE Select); 6 bases into the intron before coding-DNA position 1783, G replaced by A.
Molecular consequence: intron variant.
Genome position (GRCh38, 1-based): chr10:84,213,085, G>A. VCF-style: chr10-84213085-G-A. GRCh37 (hg19) VCF-style: chr10-85972841-G-A.
Other names: c.1783-6G>A (NM_001171971.3, NM_033100.3).
Identifiers: ClinVar variation 1088563 (VCV001088563.11), dbSNP rs750881799, ClinGen allele CA5580057.

ClinVar aggregate classification (germline): Likely benign. Review status: criteria provided, multiple submitters, no conflicts (2 of 4 stars). 3 submissions from 3 submitters: Likely benign (3). Last evaluated 2026-05-07.

Conditions:
CDHR1-related disorder. Also called: CDHR1-related condition.

Allele frequency attached by ClinVar (database versions not stated): ExAC 0.00009.

Submissions (3):

PreventionGenetics, part of Exact Sciences
Classification: Likely benign for CDHR1-related condition. Last evaluated: 2026-05-07. Review status: criteria provided, single submitter. Criteria: ACMG Guidelines, 2015. Collection method: clinical testing. Allele origin: germline.
Comment: This variant is classified as likely benign based on ACMG/AMP sequence variant interpretation guidelines (Richards et al. 2015 PMID: 25741868, with internal and published modifications).

Labcorp Genetics (formerly Invitae), Labcorp
Classification: Likely benign. Last evaluated: 2024-11-05. Review status: criteria provided, single submitter. Criteria: Invitae Variant Classification Sherloc (09022015). Collection method: clinical testing. Allele origin: germline.

Blueprint Genetics
Classification: Likely benign. Last evaluated: 2024-10-10. Review status: criteria provided, single submitter. Criteria: ACMG Guidelines, 2015. Collection method: clinical testing. Allele origin: germline.